The following is an entry in ClinVar:

NM_006767.4(LZTR1):c.1256T>G (p.Phe419Cys)

Gene: LZTR1 (leucine zipper like post translational regulator 1; plus strand). Cytogenetic location: 22q11.21.
Variant type: single nucleotide variant.
Coding change: c.1256T>G on transcript NM_006767.4 (MANE Select); coding-DNA position 1256, T replaced by G.
Protein change: p.Phe419Cys; replaces phenylalanine 419 with cysteine.
Molecular consequence: missense variant.
Genome position (GRCh38, 1-based): chr22:20,992,900, T>G. VCF-style: chr22-20992900-T-G. GRCh37 (hg19) VCF-style: chr22-21347189-T-G.
Other names: short protein forms F419C.
Identifiers: ClinVar variation 4615657 (VCV004615657.1).

ClinVar aggregate classification (germline): Uncertain significance (1 of 4 stars; one submission).

Conditions:
Cardiovascular phenotype. Identifiers: MedGen CN230736.
Hereditary cancer-predisposing syndrome. Also called: Neoplastic Syndromes, Hereditary; Tumor predisposition; Hereditary Cancer Syndrome; Hereditary neoplastic syndrome. Identifiers: Orphanet 140162, MedGen C0027672, MeSH D009386, MONDO:0015356.

Submission:

Ambry Genetics
Classification: Uncertain significance for Cardiovascular phenotype; Hereditary cancer-predisposing syndrome. Last evaluated: 2025-11-11. Review status: criteria provided, single submitter. Criteria: Ambry Variant Classification Scheme 2023. Collection method: clinical testing. Allele origin: germline.
Comment: The p.F419C variant (also known as c.1256T>G), located in coding exon 11 of the LZTR1 gene, results from a T to G substitution at nucleotide position 1256. The phenylalanine at codon 419 is replaced by cysteine, an amino acid with highly dissimilar properties. This amino acid position is conserved. In addition, the in silico prediction for this alteration is inconclusive. Based on the available evidence, the clinical significance of this variant remains unclear.